The following is an entry in ClinVar:

NM_001374736.1(DST):c.14424G>T (p.Gln4808His)

Gene: DST (dystonin; minus strand). Cytogenetic location: 6p12.1.
Variant type: single nucleotide variant.
Coding change: c.14424G>T on transcript NM_001374736.1 (MANE Select); coding-DNA position 14424, G replaced by T.
Protein change: p.Gln4808His; replaces glutamine 4808 with histidine.
Molecular consequence: missense variant.
Genome position (GRCh38, 1-based): chr6:56,560,310, C>A on the plus strand (G>T on the coding strand, the complement: DST is on the minus strand). VCF-style: chr6-56560310-C-A. GRCh37 (hg19) VCF-style: chr6-56425108-C-A.
Other names: c.8067G>T, p.Gln2689His (NM_001144769.5); c.7653G>T, p.Gln2551His (NM_001144770.2); c.14424G>T, p.Gln4808His (NM_001374722.1); c.13791G>T, p.Gln4597His (NM_001374729.1); c.7533G>T, p.Gln2511His (NM_001374730.1, NM_001386100.1, NM_183380.4); c.14451G>T, p.Gln4817His (NM_001374734.1); c.6555G>T, p.Gln2185His (NM_015548.5); short protein forms Q2185H, Q2511H, Q2551H, Q2689H, Q4597H, Q4808H, Q4817H.
Identifiers: ClinVar variation 1056787 (VCV001056787.5), dbSNP rs2097517519, ClinGen allele CA364521801.

ClinVar aggregate classification (germline): Uncertain significance (1 of 4 stars; one submission).

Conditions:
Epidermolysis bullosa simplex 3, localized or generalized intermediate, with BP230 deficiency (EBS3). Also called: Epidermolysis bullosa simplex due to BP230 deficiency; Epidermolysis bullosa simplex, autosomal recessive 2. Identifiers: Orphanet 412181, MedGen C3809470, MONDO:0014180, OMIM 615425.
Hereditary sensory and autonomic neuropathy type 6. Also called: HSAN VI; Neuropathy, hereditary sensory and autonomic, type VI. Identifiers: Orphanet 314381, MedGen C3539003, MONDO:0013839, OMIM 614653.

Allele frequency attached by ClinVar (database versions not stated): TOPMed below 0.00001; gnomAD exomes 0.00002.
gnomAD v4.1: 27 of 1,609,680 alleles (0.0017%); highest among the groups gnomAD compares: Non-Finnish European, 0.0023%; no homozygotes.

Submission:

Labcorp Genetics (formerly Invitae), Labcorp
Classification: Uncertain significance for Epidermolysis bullosa simplex 3, localized or generalized intermediate, with BP230 deficiency; Hereditary sensory and autonomic neuropathy type 6. Last evaluated: 2020-07-08. Review status: criteria provided, single submitter. Criteria: Invitae Variant Classification Sherloc (09022015). Collection method: clinical testing. Allele origin: germline.
Comment: This sequence change replaces glutamine with histidine at codon 2185 of the DST protein (p.Gln2185His). The glutamine residue is moderately conserved and there is a small physicochemical difference between the two amino acids. The DST gene has multiple clinically relevant transcripts. This variant occurs in alternate transcript NM_015548.4, and corresponds to NM_001723.5:c.*55207G>T in the primary transcript. This variant is not present in population databases (ExAC no frequency). This variant has not been reported in the literature in individuals with DST-related conditions. Experimental studies and prediction algorithms are not available or were not evaluated, and the functional significance of this variant is currently unknown. In summary, the available evidence is currently insufficient to determine the role of this variant in disease. Therefore, it has been classified as a Variant of Uncertain Significance.